The following is an entry in ClinVar:

NM_152594.3(SPRED1):c.1236C>G (p.Phe412Leu)

Gene: SPRED1 (sprouty related EVH1 domain containing 1; plus strand). Cytogenetic location: 15q14.
Variant type: single nucleotide variant.
Coding change: c.1236C>G on transcript NM_152594.3 (MANE Select); coding-DNA position 1236, C replaced by G.
Protein change: p.Phe412Leu; replaces phenylalanine 412 with leucine.
Molecular consequence: missense variant.
Genome position (GRCh38, 1-based): chr15:38,351,565, C>G. VCF-style: chr15-38351565-C-G. GRCh37 (hg19) VCF-style: chr15-38643766-C-G.
Other names: short protein forms F412L.
Identifiers: ClinVar variation 4806327 (VCV004806327.1).

ClinVar aggregate classification (germline): Uncertain significance (1 of 4 stars; one submission).

Conditions:
Legius syndrome. Identifiers: Orphanet 137605, MedGen C1969623, MONDO:0012669, OMIM 611431. Disease mechanism: loss of function.

Submission:

Labcorp Genetics (formerly Invitae), Labcorp
Classification: Uncertain significance for Legius syndrome. Last evaluated: 2025-03-05. Review status: criteria provided, single submitter. Criteria: Invitae Variant Classification Sherloc (09022015). Collection method: clinical testing. Allele origin: germline.
Comment: This sequence change replaces phenylalanine, which is neutral and non-polar, with leucine, which is neutral and non-polar, at codon 412 of the SPRED1 protein (p.Phe412Leu). This variant is not present in population databases (gnomAD no frequency). This variant has not been reported in the literature in individuals affected with SPRED1-related conditions. Invitae Evidence Modeling of protein sequence and biophysical properties (such as structural, functional, and spatial information, amino acid conservation, physicochemical variation, residue mobility, and thermodynamic stability) indicates that this missense variant is not expected to disrupt SPRED1 protein function with a negative predictive value of 80%. In summary, the available evidence is currently insufficient to determine the role of this variant in disease. Therefore, it has been classified as a Variant of Uncertain Significance.